The following is an entry in ClinVar:

ClinVar aggregate classification (germline): Uncertain significance. Review status: criteria provided, multiple submitters, no conflicts (2 of 4 stars). 2 submissions from 2 submitters: Uncertain significance (2). Last evaluated 2025-08-09.

Conditions:
Inborn genetic diseases. Identifiers: MedGen C0950123, MeSH D030342.
Fanconi anemia (FA). Also called: Fanconi's anemia. Identifiers: Orphanet 84, MedGen C0015625, MeSH D005199, MONDO:0019391.

gnomAD v4.1: 5 of 1,614,012 alleles (0.00031%); highest among the groups gnomAD compares: African/African-American, 0.0013%; no homozygotes.

Submissions (2):

Ambry Genetics
Classification: Uncertain significance for Inborn genetic diseases. Last evaluated: 2025-08-09. Review status: criteria provided, single submitter. Criteria: Ambry Variant Classification Scheme 2023. Collection method: clinical testing. Allele origin: germline.
Comment: The p.Q1107H variant (also known as c.3321G>T), located in coding exon 33 of the FANCA gene, results from a G to T substitution at nucleotide position 3321. The glutamine at codon 1107 is replaced by histidine, an amino acid with highly similar properties. This amino acid position is conserved. In addition, this alteration is predicted to be tolerated by in silico analysis. Based on the available evidence, the clinical significance of this variant remains unclear.

Labcorp Genetics (formerly Invitae), Labcorp
Classification: Uncertain significance for Fanconi anemia. Last evaluated: 2022-03-19. Review status: criteria provided, single submitter. Criteria: Invitae Variant Classification Sherloc (09022015). Collection method: clinical testing. Allele origin: germline.
Comment: This sequence change replaces glutamine, which is neutral and polar, with histidine, which is basic and polar, at codon 1107 of the FANCA protein (p.Gln1107His). This variant is present in population databases (no rsID available, gnomAD 0.007%). This variant has not been reported in the literature in individuals affected with FANCA-related conditions. Advanced modeling of protein sequence and biophysical properties (such as structural, functional, and spatial information, amino acid conservation, physicochemical variation, residue mobility, and thermodynamic stability) performed at Invitae indicates that this missense variant is not expected to disrupt FANCA protein function. In summary, the available evidence is currently insufficient to determine the role of this variant in disease. Therefore, it has been classified as a Variant of Uncertain Significance.

NM_000135.4(FANCA):c.3321G>T (p.Gln1107His)

Gene: FANCA (FA complementation group A; minus strand). Cytogenetic location: 16q24.3.
Variant type: single nucleotide variant.
Coding change: c.3321G>T on transcript NM_000135.4 (MANE Select); coding-DNA position 3321, G replaced by T.
Protein change: p.Gln1107His; replaces glutamine 1107 with histidine.
Molecular consequence: missense variant.
Genome position (GRCh38, 1-based): chr16:89,748,686, C>A on the plus strand (G>T on the coding strand, the complement: FANCA is on the minus strand). VCF-style: chr16-89748686-C-A. GRCh37 (hg19) VCF-style: chr16-89815094-C-A.
Other names: c.3321G>T, p.Gln1107His (NM_001286167.3); c.3321G>T (NM_000135.2); short protein forms Q1107H.
Identifiers: ClinVar variation 1431658 (VCV001431658.7), dbSNP rs1276452090, ClinGen allele CA397486240.
Genomic context (GRCh38, chr16:89,748,686, plus strand): 5'-GATCGGACGGACACGTGCACACGGGGCACCTACCATCTCAGAGTTGACCAAGTGGAAGAA[C>A]TGCTCGCATCTGGCAGTGATGGGCTGTTCTGCCTGGAAGCTGCTGCCGCAGAGGACAGAC-3'
Protein context (NP_000126.2, residues 1097-1117): AEQPITARCE[Gln1107His]FFHLVNSEMR